The following is an entry in ClinVar:

NM_000238.4(KCNH2):c.139G>C (p.Gly47Arg)

Gene: KCNH2 (potassium voltage-gated channel subfamily H member 2; minus strand). Cytogenetic location: 7q36.1.
Variant type: single nucleotide variant.
Coding change: c.139G>C on transcript NM_000238.4 (MANE Select); coding-DNA position 139, G replaced by C.
Protein change: p.Gly47Arg; replaces glycine 47 with arginine.
Molecular consequence: missense variant.
Genome position (GRCh38, 1-based): chr7:150,974,879, C>G on the plus strand (G>C on the coding strand, the complement: KCNH2 is on the minus strand). VCF-style: chr7-150974879-C-G. GRCh37 (hg19) VCF-style: chr7-150671967-C-G.
Other names: c.-39G>C (NM_001406755.1); c.139G>C, p.Gly47Arg (NM_172056.3); short protein forms G47R.
Identifiers: ClinVar variation 2041983 (VCV002041983.5), dbSNP rs794728409, ClinGen allele CA369865823.

ClinVar aggregate classification (germline): Uncertain significance. Review status: criteria provided, multiple submitters, no conflicts (2 of 4 stars). 2 submissions from 2 submitters: Uncertain significance (2). Last evaluated 2024-04-27.

Conditions:
Long QT syndrome (LQTS). Identifiers: MedGen C0023976, MeSH D008133, MONDO:0002442. Disease mechanism: loss of function. Inheritance: Various modes of inheritance.
Cardiovascular phenotype. Identifiers: MedGen CN230736.

Submissions (2):

Ambry Genetics
Classification: Uncertain significance for Cardiovascular phenotype. Last evaluated: 2024-04-27. Review status: criteria provided, single submitter. Criteria: Ambry Variant Classification Scheme 2023. Collection method: clinical testing. Allele origin: germline.
Comment: The p.G47R variant (also known as c.139G>C), located in coding exon 2 of the KCNH2 gene, results from a G to C substitution at nucleotide position 139. The glycine at codon 47 is replaced by arginine, an amino acid with dissimilar properties. This amino acid position is highly conserved in available vertebrate species. In addition, this alteration is predicted to be deleterious by in silico analysis. Based on the available evidence, the clinical significance of this variant remains unclear.

Labcorp Genetics (formerly Invitae), Labcorp
Classification: Uncertain significance for Long QT syndrome. Last evaluated: 2021-12-13. Review status: criteria provided, single submitter. Criteria: Invitae Variant Classification Sherloc (09022015). Collection method: clinical testing. Allele origin: germline.
Comment: This variant has not been reported in the literature in individuals affected with KCNH2-related conditions. This sequence change replaces glycine, which is neutral and non-polar, with arginine, which is basic and polar, at codon 47 of the KCNH2 protein (p.Gly47Arg). This variant is not present in population databases (gnomAD no frequency). Algorithms developed to predict the effect of missense changes on protein structure and function are either unavailable or do not agree on the potential impact of this missense change (SIFT: "Deleterious"; PolyPhen-2: "Probably Damaging"; Align-GVGD: "Class C0"). In summary, the available evidence is currently insufficient to determine the role of this variant in disease. Therefore, it has been classified as a Variant of Uncertain Significance.